The following is an entry in ClinVar:

ClinVar aggregate classification (germline): Uncertain significance (1 of 4 stars; one submission).

Conditions:
Inborn genetic diseases. Identifiers: MedGen C0950123, MeSH D030342.

Submission:

Ambry Genetics
Classification: Uncertain significance for Inborn genetic diseases. Last evaluated: 2024-02-10. Review status: criteria provided, single submitter. Criteria: Ambry Variant Classification Scheme 2023. Collection method: clinical testing. Allele origin: germline.
Comment: The p.L5V variant (also known as c.13C>G), located in coding exon 1 of the MDH2 gene, results from a C to G substitution at nucleotide position 13. The leucine at codon 5 is replaced by valine, an amino acid with highly similar properties. This amino acid position is conserved. In addition, this alteration is predicted to be tolerated by in silico analysis. Based on the available evidence, the clinical significance of this alteration remains unclear.

NM_005918.4(MDH2):c.13C>G (p.Leu5Val)

Gene: MDH2 (malate dehydrogenase 2; plus strand). Cytogenetic location: 7q11.23.
Variant type: single nucleotide variant.
Coding change: c.13C>G on transcript NM_005918.4 (MANE Select); coding-DNA position 13, C replaced by G.
Protein change: p.Leu5Val; replaces leucine 5 with valine.
Molecular consequence: missense variant. On other transcripts: 5 prime UTR variant (1), non-coding transcript variant (1).
Genome position (GRCh38, 1-based): chr7:76,048,173, C>G. VCF-style: chr7-76048173-C-G. GRCh37 (hg19) VCF-style: chr7-75677491-C-G.
Other names: c.13C>G, p.Leu5Val (NM_001282403.2); c.-140C>G (NM_001282404.2); short protein forms L5V.
Identifiers: ClinVar variation 3225178 (VCV003225178.1), dbSNP rs1554584437, ClinGen allele CA367760033.